The following is an entry in ClinVar:

ClinVar aggregate classification (germline): Benign (1 of 4 stars; one submission).

Conditions:
Charcot-Marie-Tooth disease axonal type 2N (CMT2N). Also called: CHARCOT-MARIE-TOOTH DISEASE, AXONAL, AUTOSOMAL DOMINANT, TYPE 2N; CHARCOT-MARIE-TOOTH NEUROPATHY, AXONAL, TYPE 2N; Charcot-Marie-Tooth Neuropathy Type 2N. Identifiers: Orphanet 228174, MedGen C2750090, MONDO:0013212, OMIM 613287.

Allele frequency attached by ClinVar (database versions not stated): gnomAD exomes 0.00020; 1000 Genomes Project 30x 0.00062; 1000 Genomes Project 0.00080; gnomAD 0.00144 and 0.00161; TOPMed 0.00177.
gnomAD v4.1: 376 of 927,444 alleles (0.041%); highest among the groups gnomAD compares: African/African-American, 0.45%; no homozygotes.

Submission:

Illumina Laboratory Services, Illumina
Classification: Benign for Charcot-Marie-Tooth disease axonal type 2N. Last evaluated: 2018-01-13. Review status: criteria provided, single submitter. Criteria: ICSL Variant Classification Criteria 13 December 2019. Collection method: clinical testing. Allele origin: germline.
Comment: This variant was observed in the ICSL laboratory as part of a predisposition screen in an ostensibly healthy population. It had not been previously curated by ICSL or reported in the Human Gene Mutation Database (HGMD: prior to June 1st, 2018), and was therefore a candidate for classification through an automated scoring system. Utilizing variant allele frequency, disease prevalence and penetrance estimates, and inheritance mode, an automated score was calculated to assess if this variant is too frequent to cause the disease. Based on the score and internal cut-off values, a variant classified as benign is not then subjected to further curation. The score for this variant resulted in a classification of benign for this disease.

NM_001605.3(AARS1):c.*141A>G

Gene: AARS1 (alanyl-tRNA synthetase 1; minus strand). Cytogenetic location: 16q22.1.
Variant type: single nucleotide variant.
Coding change: c.*141A>G on transcript NM_001605.3 (MANE Select); 141 bases downstream of the stop codon, A replaced by G.
Molecular consequence: 3 prime UTR variant.
Genome position (GRCh38, 1-based): chr16:70,252,580, T>C on the plus strand (A>G on the coding strand, the complement: AARS1 is on the minus strand). VCF-style: chr16-70252580-T-C. GRCh37 (hg19) VCF-style: chr16-70286483-T-C.
Identifiers: ClinVar variation 885336 (VCV000885336.4), dbSNP rs576707006, ClinGen allele CA283423516.
Genomic context (GRCh38, chr16:70,252,580, plus strand): 5'-TCTAGACCGATGGCACTGACGTGGAGGGCTCAGGGCAGAAATTTAAGGGGCACTGAGACA[T>C]AGGACTGCTCCCAAGTGTGTTCCAGTTACTGCTGGGTTAGGAGGGGCTCTTTAAAGGTCC-3'